The following is an entry in ClinVar:

ClinVar aggregate classification (germline): Uncertain significance. Review status: criteria provided, single submitter (1 of 4 stars). 2 submissions from 2 submitters: Uncertain significance (1). 1 of the submissions does not count toward it. Last evaluated 2018-02-08.

Conditions:
TTC8-related disorder. Also called: TTC8-related condition.

Allele frequency attached by ClinVar (database versions not stated): gnomAD exomes below 0.00001; TOPMed below 0.00001; ExAC 0.00001.

Submissions (2):

Genetic Services Laboratory, University of Chicago
Classification: Uncertain significance. Last evaluated: 2018-02-08. Review status: criteria provided, single submitter. Criteria: ACMG Guidelines, 2015. Collection method: clinical testing. Allele origin: germline. Affected: no.

PreventionGenetics, part of Exact Sciences
Classification: Uncertain significance for TTC8-related condition. Last evaluated: 2024-07-07. Review status: no assertion criteria provided. Collection method: clinical testing. Allele origin: germline. Not counted in ClinVar's aggregate classification.
Comment: The TTC8 c.1339G>A variant is predicted to result in the amino acid substitution p.Val447Ile. To our knowledge, this variant has not been reported in the literature. This variant is reported in 0.0054% of alleles in individuals of East Asian descent in gnomAD. At this time, the clinical significance of this variant is uncertain due to the absence of conclusive functional and genetic evidence.

NM_144596.4(TTC8):c.1339G>A (p.Val447Ile)

Gene: TTC8 (tetratricopeptide repeat domain 8; plus strand). Cytogenetic location: 14q31.3.
Variant type: single nucleotide variant.
Coding change: c.1339G>A on transcript NM_144596.4 (MANE Select); coding-DNA position 1339, G replaced by A.
Protein change: p.Val447Ile; replaces valine 447 with isoleucine.
Molecular consequence: missense variant. On other transcripts: non-coding transcript variant (1).
Genome position (GRCh38, 1-based): chr14:88,872,444, G>A. VCF-style: chr14-88872444-G-A. GRCh37 (hg19) VCF-style: chr14-89338788-G-A.
Other names: c.1387G>A, p.Val463Ile (NM_001288781.1); c.745G>A, p.Val249Ile (NM_001288782.1); c.622G>A, p.Val208Ile (NM_001288783.1); c.1309G>A, p.Val437Ile (NM_001366535.2, NM_198309.3); c.1219G>A, p.Val407Ile (NM_001366536.2, NM_198310.3); c.1339G>A (NM_144596.3); short protein forms V208I, V249I, V407I, V437I, V447I, V463I.
Identifiers: ClinVar variation 1336543 (VCV001336543.5), dbSNP rs769609062, ClinGen allele CA7302718.
Genomic context (GRCh38, chr14:88,872,444, plus strand): 5'-AACAACAACCACGCCGAGGCCTACAACAACCTGGCTGTGCTGGAGATGCGGAAGGGCCAC[G>A]TTGAACAGGTCAGTGAACTGGCAGCGGCATGCTGGGCAGTCTGCTTTCTTCAGAGAAAAG-3'
Protein context (NP_653197.2, residues 437-457): LAVLEMRKGH[Val447Ile]EQARALLQTA